The following is an entry in ClinVar:

ClinVar aggregate classification (germline): Uncertain significance (1 of 4 stars; one submission).

Conditions:
Cardiovascular phenotype. Identifiers: MedGen CN230736.

gnomAD v4.1: 2 of 1,600,446 alleles (0.00012%); highest among the groups gnomAD compares: South Asian, 0.0023%; no homozygotes.

Submission:

Ambry Genetics
Classification: Uncertain significance for Cardiovascular phenotype. Last evaluated: 2022-12-14. Review status: criteria provided, single submitter. Criteria: Ambry Variant Classification Scheme 2023. Collection method: clinical testing. Allele origin: germline.
Comment: The p.M717I variant (also known as c.2151G>T), located in coding exon 8 of the AKAP9 gene, results from a G to T substitution at nucleotide position 2151. The methionine at codon 717 is replaced by isoleucine, an amino acid with highly similar properties. This amino acid position is conserved. In addition, this alteration is predicted to be tolerated by in silico analysis. Since supporting evidence is limited at this time, the clinical significance of this alteration remains unclear.

NM_005751.5(AKAP9):c.2151G>T (p.Met717Ile)

Gene: AKAP9 (A-kinase anchoring protein 9; plus strand). Cytogenetic location: 7q21.2.
Variant type: single nucleotide variant.
Coding change: c.2151G>T on transcript NM_005751.5 (MANE Select); coding-DNA position 2151, G replaced by T.
Protein change: p.Met717Ile; replaces methionine 717 with isoleucine.
Molecular consequence: missense variant.
Genome position (GRCh38, 1-based): chr7:92,002,068, G>T. VCF-style: chr7-92002068-G-T. GRCh37 (hg19) VCF-style: chr7-91631382-G-T.
Other names: c.2151G>T, p.Met717Ile (NM_147185.3); short protein forms M717I.
Identifiers: ClinVar variation 2449749 (VCV002449749.2), dbSNP rs781409804, ClinGen allele CA368123440.